The following is an entry in ClinVar:

NM_004629.2(FANCG):c.1637-2A>G

Gene: FANCG (FA complementation group G; minus strand). Cytogenetic location: 9p13.3.
Variant type: single nucleotide variant.
Coding change: c.1637-2A>G on transcript NM_004629.2 (MANE Select); the canonical splice acceptor site of the intron before coding-DNA position 1637, A replaced by G.
Molecular consequence: splice acceptor variant.
Genome position (GRCh38, 1-based): chr9:35,074,496, T>C on the plus strand (A>G on the coding strand, the complement: FANCG is on the minus strand). VCF-style: chr9-35074496-T-C. GRCh37 (hg19) VCF-style: chr9-35074493-T-C.
Identifiers: ClinVar variation 2894866 (VCV002894866.3), dbSNP rs2490393857, ClinGen allele CA373301419.

ClinVar aggregate classification (germline): Likely pathogenic (1 of 4 stars; one submission).

Conditions:
Fanconi anemia (FA). Also called: Fanconi's anemia. Identifiers: Orphanet 84, MedGen C0015625, MeSH D005199, MONDO:0019391.

Submission:

Labcorp Genetics (formerly Invitae), Labcorp
Classification: Likely pathogenic for Fanconi anemia. Last evaluated: 2023-12-30. Review status: criteria provided, single submitter. Criteria: Invitae Variant Classification Sherloc (09022015). Collection method: clinical testing. Allele origin: germline.
Comment: This sequence change affects an acceptor splice site in intron 12 of the FANCG gene. It is expected to disrupt RNA splicing. Variants that disrupt the donor or acceptor splice site typically lead to a loss of protein function (PMID: 16199547), and loss-of-function variants in FANCG are known to be pathogenic (PMID: 12552564). This variant is not present in population databases (gnomAD no frequency). This variant has not been reported in the literature in individuals affected with FANCG-related conditions. Algorithms developed to predict the effect of sequence changes on RNA splicing suggest that this variant may disrupt the consensus splice site. In summary, the currently available evidence indicates that the variant is pathogenic, but additional data are needed to prove that conclusively. Therefore, this variant has been classified as Likely Pathogenic.

Literature cited by the submitters: PubMed 16199547; PubMed 12552564.